The following is an entry in ClinVar:

NM_032444.4(SLX4):c.3226C>A (p.Pro1076Thr)

Gene: SLX4 (SLX4 structure-specific endonuclease subunit; minus strand). Cytogenetic location: 16p13.3.
Variant type: single nucleotide variant.
Coding change: c.3226C>A on transcript NM_032444.4 (MANE Select); coding-DNA position 3226, C replaced by A.
Protein change: p.Pro1076Thr; replaces proline 1076 with threonine.
Molecular consequence: missense variant.
Genome position (GRCh38, 1-based): chr16:3,590,412, G>T on the plus strand (C>A on the coding strand, the complement: SLX4 is on the minus strand). VCF-style: chr16-3590412-G-T. GRCh37 (hg19) VCF-style: chr16-3640413-G-T.
Other names: short protein forms P1076T.
Identifiers: ClinVar variation 1524257 (VCV001524257.6), dbSNP rs2151124007, ClinGen allele CA394521395.

ClinVar aggregate classification (germline): Uncertain significance (1 of 4 stars; one submission).

Conditions:
Fanconi anemia (FA). Also called: Fanconi's anemia. Identifiers: Orphanet 84, MedGen C0015625, MeSH D005199, MONDO:0019391.

Submission:

Labcorp Genetics (formerly Invitae), Labcorp
Classification: Uncertain significance for Fanconi anemia. Last evaluated: 2024-01-02. Review status: criteria provided, single submitter. Criteria: Invitae Variant Classification Sherloc (09022015). Collection method: clinical testing. Allele origin: germline.
Comment: This sequence change replaces proline, which is neutral and non-polar, with threonine, which is neutral and polar, at codon 1076 of the SLX4 protein (p.Pro1076Thr). This variant is not present in population databases (gnomAD no frequency). This variant has not been reported in the literature in individuals affected with SLX4-related conditions. ClinVar contains an entry for this variant (Variation ID: 1524257). An algorithm developed to predict the effect of missense changes on protein structure and function (PolyPhen-2) suggests that this variant is likely to be disruptive. In summary, the available evidence is currently insufficient to determine the role of this variant in disease. Therefore, it has been classified as a Variant of Uncertain Significance.